The following is an entry in ClinVar:

NM_000059.4(BRCA2):c.425+5G>C

Gene: BRCA2 (BRCA2 DNA repair associated; plus strand). Cytogenetic location: 13q13.1.
Variant type: single nucleotide variant.
Coding change: c.425+5G>C on transcript NM_000059.4 (MANE Select); 5 bases into the intron after coding-DNA position 425, G replaced by C.
Molecular consequence: intron variant.
Genome position (GRCh38, 1-based): chr13:32,325,189, G>C. VCF-style: chr13-32325189-G-C. GRCh37 (hg19) VCF-style: chr13-32899326-G-C.
Identifiers: ClinVar variation 1488716 (VCV001488716.7), dbSNP rs1388671241, ClinGen allele CA609084560.

ClinVar aggregate classification (germline): Conflicting classifications of pathogenicity. Review status: criteria provided, conflicting classifications (1 of 4 stars). 2 submissions from 2 submitters: Uncertain significance (1); Likely benign (1). Last evaluated 2023-09-22.

Conditions:
Hereditary breast ovarian cancer syndrome. Also called: Hereditary breast and/or ovarian cancer syndrome; Hereditary breast and ovarian cancer syndrome (HBOC); Breast and ovarian cancer; Hereditary breast and ovarian cancer; Hereditary breast and ovarian cancer syndrome; BRCA1- and BRCA2-Associated Hereditary Breast and Ovarian Cancer. Identifiers: Orphanet 145, MedGen C0677776, MeSH D061325, MONDO:0003582. Disease mechanism: loss of function.

Allele frequency attached by ClinVar (database versions not stated): gnomAD exomes below 0.00001.
gnomAD v4.1: 1 of 1,519,436 alleles (0.000066%); highest among the groups gnomAD compares: Non-Finnish European, 0.000091%; no homozygotes.

Submissions (2):

Labcorp Genetics (formerly Invitae), Labcorp
Classification: Uncertain significance for Hereditary breast ovarian cancer syndrome. Last evaluated: 2023-09-22. Review status: criteria provided, single submitter. Criteria: Invitae Variant Classification Sherloc (09022015). Collection method: clinical testing. Allele origin: germline.
Comment: This variant has not been reported in the literature in individuals affected with BRCA2-related conditions. This sequence change falls in intron 4 of the BRCA2 gene. It does not directly change the encoded amino acid sequence of the BRCA2 protein. RNA analysis indicates that this variant induces altered splicing and may result in an absent or disrupted protein product. This variant is present in population databases (no rsID available, gnomAD 0.0009%). ClinVar contains an entry for this variant (Variation ID: 1488716). Variants that disrupt the consensus splice site are a relatively common cause of aberrant splicing (PMID: 17576681, 9536098). Studies have shown that this variant results in skipping of exon 4 and introduces a premature termination codon (Invitae). The resulting mRNA is expected to undergo nonsense-mediated decay. In summary, the available evidence is currently insufficient to determine the role of this variant in disease. Therefore, it has been classified as a Variant of Uncertain Significance.

National Health Laboratory Service, Universitas Academic Hospital and University of the Free State
Classification: Likely benign for Hereditary breast ovarian cancer syndrome. Last evaluated: 2022-04-19. Review status: criteria provided, single submitter. Criteria: ACMG Guidelines, 2015. Collection method: clinical testing. Allele origin: germline. Affected: yes. Observed: 1 variant allele.

Literature cited by the submitters: PubMed 17576681 (cited by Labcorp Genetics (formerly Invitae), Labcorp); PubMed 9536098 (cited by Labcorp Genetics (formerly Invitae), Labcorp).